The following is an entry in ClinVar:

NM_004004.6(GJB2):c.277A>C (p.Met93Leu)

Gene: GJB2 (gap junction protein beta 2; minus strand). Cytogenetic location: 13q12.11.
Variant type: single nucleotide variant.
Coding change: c.277A>C on transcript NM_004004.6 (MANE Select); coding-DNA position 277, A replaced by C.
Protein change: p.Met93Leu; replaces methionine 93 with leucine.
Molecular consequence: missense variant.
Genome position (GRCh38, 1-based): chr13:20,189,305, T>G on the plus strand (A>C on the coding strand, the complement: GJB2 is on the minus strand). VCF-style: chr13-20189305-T-G. GRCh37 (hg19) VCF-style: chr13-20763444-T-G.
Other names: short protein forms M93L.
Identifiers: ClinVar variation 1968127 (VCV001968127.5), dbSNP rs2500251590, ClinGen allele CA387461492.
Genomic context (GRCh38, chr13:20,189,305, plus strand): 5'-TCTTTATCTCCCCCTTGATGAACTTCCTCTTCTTCTCATGTCTCCGGTAGGCCACGTGCA[T>G]GGCCACTAGGAGCGCTGGCGTGGACACGAAGATCAGCTGCAGGGCCCATAGCCGGATGTG-3'
Protein context (NP_003995.2, residues 83-103): FVSTPALLVA[Met93Leu]HVAYRRHEKK

ClinVar aggregate classification (germline): Likely pathogenic (1 of 4 stars; one submission).

Submission:

Labcorp Genetics (formerly Invitae), Labcorp
Classification: Likely pathogenic. Last evaluated: 2022-01-02. Review status: criteria provided, single submitter. Criteria: Invitae Variant Classification Sherloc (09022015). Collection method: clinical testing. Allele origin: germline.
Comment: Advanced modeling of protein sequence and biophysical properties (such as structural, functional, and spatial information, amino acid conservation, physicochemical variation, residue mobility, and thermodynamic stability) performed at Invitae indicates that this missense variant is expected to disrupt GJB2 protein function. This sequence change replaces methionine, which is neutral and non-polar, with leucine, which is neutral and non-polar, at codon 93 of the GJB2 protein (p.Met93Leu). This variant is not present in population databases (gnomAD no frequency). This variant has not been reported in the literature in individuals affected with GJB2-related conditions. This variant disrupts the p.Met93 amino acid residue in GJB2. Other variant(s) that disrupt this residue have been determined to be pathogenic (PMID: 12172394, 14985372, 22592158). This suggests that this residue is clinically significant, and that variants that disrupt this residue are likely to be disease-causing. In summary, the currently available evidence indicates that the variant is pathogenic, but additional data are needed to prove that conclusively. Therefore, this variant has been classified as Likely Pathogenic.

Literature cited by the submitters: PubMed 12172394; PubMed 14985372; PubMed 22592158.